The following is an entry in ClinVar:

ClinVar aggregate classification (germline): Uncertain significance. Review status: criteria provided, multiple submitters, no conflicts (2 of 4 stars). 3 submissions from 3 submitters: Uncertain significance (3). Last evaluated 2025-06-13.

Conditions:
Dyskeratosis congenita. Identifiers: Orphanet 1775, MedGen C0265965, MONDO:0015780.
Inherited Immunodeficiency Diseases. Identifiers: MedGen C5197805, MeSH D000081207.

Allele frequency attached by ClinVar (database versions not stated): TOPMed below 0.00001.

Submissions (3):

GeneDx
Classification: Uncertain significance. Last evaluated: 2025-06-13. Review status: criteria provided, single submitter. Criteria: GeneDx Variant Classification Process June 2021. Collection method: clinical testing. Allele origin: germline. Affected: yes.
Comment: Identified in a patient with primary antibody deficiency in published literature, but additional clinical information was not included (PMID: 32499645); Not observed at significant frequency in large population cohorts (gnomAD); Canonical splice site variant in a gene or region of a gene for which loss of function is not a well-established mechanism of disease; This variant is associated with the following publications: (PMID: 32499645)

Labcorp Genetics (formerly Invitae), Labcorp
Classification: Uncertain significance for Dyskeratosis congenita. Last evaluated: 2021-11-19. Review status: criteria provided, single submitter. Criteria: Invitae Variant Classification Sherloc (09022015). Collection method: clinical testing. Allele origin: germline.
Comment: This sequence change affects a donor splice site in intron 6 of the TINF2 gene. It is expected to disrupt RNA splicing. Variants that disrupt the donor or acceptor splice site typically lead to a loss of protein function (PMID: 16199547), however the current clinical and genetic evidence is not sufficient to establish whether loss-of-function variants in TINF2 cause disease. This variant is not present in population databases (gnomAD no frequency). Disruption of this splice site has been observed in individual(s) with primary immunodeficiency (PMID: 32499645). ClinVar contains an entry for this variant (Variation ID: 827749). Algorithms developed to predict the effect of sequence changes on RNA splicing suggest that this variant may disrupt the consensus splice site. In summary, the available evidence is currently insufficient to determine the role of this variant in disease. Therefore, it has been classified as a Variant of Uncertain Significance.

NIHR Bioresource Rare Diseases, University of Cambridge
Classification: Uncertain significance for Inherited Immunodeficiency Diseases. Last evaluated: 2019-01-01. Review status: criteria provided, single submitter. Criteria: ACMG Guidelines, 2015. Collection method: research. Allele origin: germline. Affected: yes. Observed: 1 heterozygote.

Literature cited by the submitters: PubMed 16199547 (cited by Labcorp Genetics (formerly Invitae), Labcorp); PubMed 32499645 (cited by Labcorp Genetics (formerly Invitae), Labcorp).

NM_001099274.3(TINF2):c.1061+1G>T

Gene: TINF2 (TERF1 interacting nuclear factor 2; minus strand). Cytogenetic location: 14q12.
Variant type: single nucleotide variant.
Coding change: c.1061+1G>T on transcript NM_001099274.3 (MANE Select); the canonical splice donor site of the intron after coding-DNA position 1061, G replaced by T.
Molecular consequence: splice donor variant. On other transcripts: missense variant (1).
Genome position (GRCh38, 1-based): chr14:24,240,418, C>A on the plus strand (G>T on the coding strand, the complement: TINF2 is on the minus strand). VCF-style: chr14-24240418-C-A. GRCh37 (hg19) VCF-style: chr14-24709624-C-A.
Other names: c.1062G>T, p.Glu354Asp (NM_012461.3); c.956+1G>T (NM_001363668.2); short protein forms E354D.
Identifiers: ClinVar variation 827749 (VCV000827749.8), dbSNP rs1594550523, ClinGen allele CA389223305.
Genomic context (GRCh38, chr14:24,240,418, plus strand): 5'-GGATGAAGGGAAGGCAGGCAAAGAATGTGCTCCTAGTAAGAAGCAACTCTGTTCCACTCA[C>A]TCCTTTTGCTCTGTGGCAGGCAAGTCAACTGGGTTCTCCTTCAGAGCCCTTCCCCCCAGG-3'